The following is an entry in ClinVar:

NM_002381.5(MATN3):c.615G>A (p.Glu205=)

Gene: MATN3 (matrilin 3; minus strand). Cytogenetic location: 2p24.1.
Variant type: single nucleotide variant.
Coding change: c.615G>A on transcript NM_002381.5 (MANE Select); coding-DNA position 615, G replaced by A.
Protein change: p.Glu205=; no amino-acid change (glutamic acid 205 retained).
Molecular consequence: synonymous variant.
Genome position (GRCh38, 1-based): chr2:20,005,919, C>T on the plus strand (G>A on the coding strand, the complement: MATN3 is on the minus strand). VCF-style: chr2-20005919-C-T. GRCh37 (hg19) VCF-style: chr2-20205680-C-T.
Identifiers: ClinVar variation 195170 (VCV000195170.20), dbSNP rs28401180, ClinGen allele CA201612.

ClinVar aggregate classification (germline): Benign. Review status: criteria provided, multiple submitters, no conflicts (2 of 4 stars). 6 submissions from 6 submitters: Benign (6). Last evaluated 2026-05-08.

Conditions:
Multiple epiphyseal dysplasia type 5 (EDM5). Also called: Microepiphyseal dysplasia, bilateral hereditary; MATN3-Related Multiple Epiphyseal Dysplasia. Identifiers: Orphanet 93311, MedGen C1846843, MONDO:0011765, OMIM 607078.

Allele frequency attached by ClinVar (database versions not stated): gnomAD exomes 0.44265 and 0.47349; gnomAD 0.46446 and 0.46923; 1000 Genomes Project 0.52436; TOPMed 0.47121; 1000 Genomes Project 30x 0.52264; ESP Exome Variant Server 0.42997; ExAC 0.48371.
gnomAD v4.1: 718,248 of 1,612,252 alleles (45%); highest among the groups gnomAD compares: East Asian, 69%; 163,336 homozygotes.

Submissions (6):

Women's Health and Genetics/Laboratory Corporation of America, LabCorp
Classification: Benign. Last evaluated: 2026-05-08. Review status: criteria provided, single submitter. Criteria: LabCorp Variant Classification Summary - May 2015. Collection method: clinical testing. Allele origin: germline.

Labcorp Genetics (formerly Invitae), Labcorp
Classification: Benign. Last evaluated: 2026-02-04. Review status: criteria provided, single submitter. Criteria: Invitae Variant Classification Sherloc (09022015). Collection method: clinical testing. Allele origin: germline.

Illumina Laboratory Services, Illumina
Classification: Benign for Multiple epiphyseal dysplasia type 5. Last evaluated: 2018-01-13. Review status: criteria provided, single submitter. Criteria: ICSL Variant Classification Criteria 13 December 2019. Collection method: clinical testing. Allele origin: germline.
Comment: This variant was observed in the ICSL laboratory as part of a predisposition screen in an ostensibly healthy population. It had not been previously curated by ICSL or reported in the Human Gene Mutation Database (HGMD: prior to June 1st, 2018), and was therefore a candidate for classification through an automated scoring system. Utilizing variant allele frequency, disease prevalence and penetrance estimates, and inheritance mode, an automated score was calculated to assess if this variant is too frequent to cause the disease. Based on the score and internal cut-off values, a variant classified as benign is not then subjected to further curation. The score for this variant resulted in a classification of benign for this disease.

Eurofins Ntd Llc (ga)
Classification: Benign. Last evaluated: 2015-06-08. Review status: criteria provided, single submitter. Criteria: EGL Classification Definitions 2015. Collection method: clinical testing. Allele origin: germline. Observed: 2 variant alleles, 2 heterozygotes.

Breakthrough Genomics
Classification: Benign. Review status: criteria provided, single submitter. Criteria: ACMG Guidelines, 2015. Collection method: not provided. Allele origin: germline. Inheritance: Other. Affected: yes.

PreventionGenetics, part of Exact Sciences
Classification: Benign. Review status: criteria provided, single submitter. Criteria: ACMG Guidelines, 2015. Collection method: clinical testing. Allele origin: germline.